The following is an entry in ClinVar:

NM_000718.4(CACNA1B):c.2699C>T (p.Pro900Leu)

Gene: CACNA1B (calcium voltage-gated channel subunit alpha1 B; plus strand). Cytogenetic location: 9q34.3.
Variant type: single nucleotide variant.
Coding change: c.2699C>T on transcript NM_000718.4 (MANE Select); coding-DNA position 2699, C replaced by T.
Protein change: p.Pro900Leu; replaces proline 900 with leucine.
Molecular consequence: missense variant.
Genome position (GRCh38, 1-based): chr9:138,023,442, C>T. VCF-style: chr9-138023442-C-T. GRCh37 (hg19) VCF-style: chr9-140917894-C-T.
Other names: c.2699C>T (NM_000718.3); c.2699C>T, p.Pro900Leu (NM_001243812.2); short protein forms P900L.
Identifiers: ClinVar variation 2070889 (VCV002070889.2), dbSNP rs563918618, ClinGen allele CA201830398.
Genomic context (GRCh38, chr9:138,023,442, plus strand): 5'-GTGCCCGGGAGGAGCGGCCGCGGCCGCACCGCAGCCACAGCAAGGAGGCCGCGGGGCCCC[C>T]GGAGGCGCGGAGCGAGCGCGGCCGAGGCCCAGGCCCCGAGGGCGGCCGGCGGCACCACCG-3'
Protein context (NP_000709.1, residues 890-910): RSHSKEAAGP[Pro900Leu]EARSERGRGP

ClinVar aggregate classification (germline): Uncertain significance. Review status: criteria provided, multiple submitters, no conflicts (2 of 4 stars). 2 submissions from 2 submitters: Uncertain significance (2). Last evaluated 2025-04-16.

Allele frequency attached by ClinVar (database versions not stated): TOPMed 0.00003; gnomAD 0.00004; 1000 Genomes Project 30x 0.00016; 1000 Genomes Project 0.00020.
gnomAD v4.1: 99 of 1,240,166 alleles (0.008%); highest among the groups gnomAD compares: East Asian, 0.25%; no homozygotes.

Submissions (2):

GeneDx
Classification: Uncertain significance. Last evaluated: 2025-04-16. Review status: criteria provided, single submitter. Criteria: GeneDx Variant Classification Process June 2021. Collection method: clinical testing. Allele origin: germline. Affected: yes.
Comment: Not observed at significant frequency in large population cohorts (gnomAD); In silico analysis indicates that this missense variant does not alter protein structure/function; Has not been previously published as pathogenic or benign to our knowledge

Labcorp Genetics (formerly Invitae), Labcorp
Classification: Uncertain significance. Last evaluated: 2022-08-23. Review status: criteria provided, single submitter. Criteria: Invitae Variant Classification Sherloc (09022015). Collection method: clinical testing. Allele origin: germline.
Comment: This sequence change replaces proline, which is neutral and non-polar, with leucine, which is neutral and non-polar, at codon 900 of the CACNA1B protein (p.Pro900Leu). The frequency data for this variant in the population databases is considered unreliable, as metrics indicate insufficient coverage at this position in the gnomAD database. This variant has not been reported in the literature in individuals affected with CACNA1B-related conditions. Advanced modeling of protein sequence and biophysical properties (such as structural, functional, and spatial information, amino acid conservation, physicochemical variation, residue mobility, and thermodynamic stability) performed at Invitae indicates that this missense variant is not expected to disrupt CACNA1B protein function. In summary, the available evidence is currently insufficient to determine the role of this variant in disease. Therefore, it has been classified as a Variant of Uncertain Significance.